The following is an entry in ClinVar:

ClinVar aggregate classification (germline): Uncertain significance (1 of 4 stars; one submission).

Conditions:
Cystic fibrosis (CF). Also called: MUCOVISCIDOSIS. Identifiers: Orphanet 586, MedGen C0010674, MONDO:0009061, OMIM 219700. Disease mechanism: loss of function.

Allele frequency attached by ClinVar (database versions not stated): gnomAD exomes below 0.00001.

Submission:

Ambry Genetics
Classification: Uncertain significance for Cystic fibrosis. Last evaluated: 2023-02-25. Review status: criteria provided, single submitter. Criteria: Ambry Variant Classification Scheme 2023. Collection method: clinical testing. Allele origin: germline.
Comment: The p.I1404M variant (also known as c.4212A>G), located in coding exon 26 of the CFTR gene, results from an A to G substitution at nucleotide position 4212. The isoleucine at codon 1404 is replaced by methionine, an amino acid with highly similar properties. This amino acid position is conserved. In addition, the in silico prediction for this alteration is inconclusive. Since supporting evidence is limited at this time, the clinical significance of this alteration remains unclear.

NM_000492.4(CFTR):c.4212A>G (p.Ile1404Met)

Gene: CFTR (CF transmembrane conductance regulator; plus strand). Cytogenetic location: 7q31.2.
Variant type: single nucleotide variant.
Coding change: c.4212A>G on transcript NM_000492.4 (MANE Select); coding-DNA position 4212, A replaced by G.
Protein change: p.Ile1404Met; replaces isoleucine 1404 with methionine.
Molecular consequence: missense variant.
Genome position (GRCh38, 1-based): chr7:117,665,534, A>G. VCF-style: chr7-117665534-A-G. GRCh37 (hg19) VCF-style: chr7-117305588-A-G.
Other names: short protein forms I1404M.
Identifiers: ClinVar variation 3231909 (VCV003231909.1), dbSNP rs1472169197, ClinGen allele CA368983720.